The following is an entry in ClinVar:

NM_001276345.2(TNNT2):c.222A>G (p.Lys74=)

Gene: TNNT2 (troponin T2, cardiac type; minus strand). Cytogenetic location: 1q32.1.
Variant type: single nucleotide variant.
Coding change: c.222A>G on transcript NM_001276345.2 (MANE Select); coding-DNA position 222, A replaced by G.
Protein change: p.Lys74=; no amino-acid change (lysine 74 retained).
Molecular consequence: synonymous variant.
Genome position (GRCh38, 1-based): chr1:201,366,849, T>C on the plus strand (A>G on the coding strand, the complement: TNNT2 is on the minus strand). VCF-style: chr1-201366849-T-C. GRCh37 (hg19) VCF-style: chr1-201335977-T-C.
Other names: c.222A>G, p.Lys74= (NM_000364.4); c.192A>G, p.Lys64= (NM_001001430.3, NM_001001431.3, NM_001276347.2); c.177A>G, p.Lys59= (NM_001001432.3); c.219A>G, p.Lys73= (NM_001276346.2).
Identifiers: ClinVar variation 1108639 (VCV001108639.11), dbSNP rs781024179, ClinGen allele CA088532.
Genomic context (GRCh38, chr1:201,366,849, plus strand): 5'-TCTCCCTGAGCCTCTGCTCCCGGCTCTACCCAGGTGCCTCCCCACTCACCTGGGCTTTGG[T>C]TTGGACTCCTCCATTGGGCCATCTGGAGGAGATAGAAGCACACAGCCATGGGTCAGGGGG-3'
Protein context (NP_001263274.1, residues 64-84): EAEDGPMEES[Lys74=]PKPRSFMPNL

ClinVar aggregate classification (germline): Conflicting classifications of pathogenicity. Review status: criteria provided, conflicting classifications (1 of 4 stars). 3 submissions from 3 submitters: Uncertain significance (1); Likely benign (2). Last evaluated 2025-02-26.

Conditions:
Cardiomyopathy (CMYO). Also called: Cardiomyopathies. Identifiers: Orphanet 167848, MedGen C0878544, MONDO:0004994, HP:0001638. Inheritance: Various modes of inheritance.
Dilated cardiomyopathy 1D. Identifiers: Orphanet 154, Orphanet 54260, MedGen C1832243, MONDO:0011095, OMIM 601494.
Cardiomyopathy, familial restrictive, 3. Identifiers: Orphanet 75249, MedGen C2676271, MONDO:0012900, OMIM 612422.
Hypertrophic cardiomyopathy 2. Also called: TNNT2-Related Familial Hypertrophic Cardiomyopathy. Identifiers: MedGen C1861864, MONDO:0007266, OMIM 115195.

Allele frequency attached by ClinVar (database versions not stated): gnomAD 0.00001; gnomAD exomes 0.00001; TOPMed 0.00001.
gnomAD v4.1: 9 of 1,613,882 alleles (0.00056%); highest among the groups gnomAD compares: African/African-American, 0.0013%; no homozygotes.

Submissions (3):

Labcorp Genetics (formerly Invitae), Labcorp
Classification: Likely benign for Cardiomyopathy, familial restrictive, 3; Hypertrophic cardiomyopathy 2; Dilated cardiomyopathy 1D. Last evaluated: 2025-02-26. Review status: criteria provided, single submitter. Criteria: Invitae Variant Classification Sherloc (09022015). Collection method: clinical testing. Allele origin: germline.

All of Us Research Program, National Institutes of Health
Classification: Likely benign for Cardiomyopathy. Last evaluated: 2024-06-09. Review status: criteria provided, single submitter. Criteria: ACMG Guidelines, 2015. Collection method: clinical testing. Allele origin: germline. Inheritance: Autosomal dominant inheritance. Observed: 1 variant allele, 1 heterozygote.
Comment: This study involves interpretation of variants in research participants for the purpose of population health screening. Participant phenotype was not available at the time of variant classification. Additional details can be found in publication PMID: 35346344, PMCID: PMC8962531

Blueprint Genetics
Classification: Uncertain significance. Last evaluated: 2018-08-29. Review status: criteria provided, single submitter. Criteria: ACMG Guidelines, 2015. Collection method: clinical testing. Allele origin: germline.